The following is an entry in ClinVar:

ClinVar aggregate classification (germline): Conflicting classifications of pathogenicity. Review status: criteria provided, conflicting classifications (1 of 4 stars). 5 submissions from 5 submitters: Likely pathogenic (2); Uncertain significance (2). 1 of the submissions does not count toward it. Last evaluated 2026-03-19.

Conditions:
Argininosuccinate lyase deficiency. Also called: Argininosuccinic aciduria; ARGININOSUCCINIC ACID LYASE DEFICIENCY; ASL DEFICIENCY. Identifiers: Orphanet 23, MedGen C0268547, MONDO:0008815, OMIM 207900, HP:0025630.

Allele frequency attached by ClinVar (database versions not stated): gnomAD 0.00001; TOPMed 0.00002; gnomAD exomes below 0.00001.
gnomAD v4.1: 7 of 1,604,242 alleles (0.00044%); highest among the groups gnomAD compares: Non-Finnish European, 0.0006%; no homozygotes.

Submissions (5):

Women's Health and Genetics/Laboratory Corporation of America, LabCorp
Classification: Likely pathogenic for Argininosuccinate lyase deficiency. Last evaluated: 2026-03-19. Review status: criteria provided, single submitter. Criteria: LabCorp Variant Classification Summary - May 2015. Collection method: clinical testing. Allele origin: germline.
Comment: Variant summary: ASL c.976C>A (p.Gln326Lys) results in a conservative amino acid change in the encoded protein sequence. Algorithms developed to predict the effect of missense changes on protein structure and function are either unavailable or do not agree on the potential impact of this missense change. Consensus agreement among computation tools predict no significant impact on normal splicing. However, these predictions have yet to be confirmed by functional studies. The variant was absent in 229934 control chromosomes. These data do not allow any conclusion about variant significance. To our knowledge, no experimental evidence demonstrating an impact on protein function has been reported. A different missense variant affecting the same codon (c.978G>C, p.Gln326His) has been classified as likely pathogenic by our own lab, suggesting the clinical importance of this residue. ClinVar contains an entry for this variant (Variation ID: 92367). Based on the evidence outlined above, the variant was classified as likely pathogenic.

Labcorp Genetics (formerly Invitae), Labcorp
Classification: Likely pathogenic for Argininosuccinate lyase deficiency. Last evaluated: 2026-01-13. Review status: criteria provided, single submitter. Criteria: Invitae Variant Classification Sherloc (09022015). Collection method: clinical testing. Allele origin: germline.
Comment: This sequence change replaces glutamine, which is neutral and polar, with lysine, which is basic and polar, at codon 326 of the ASL protein (p.Gln326Lys). This variant is not present in population databases (gnomAD no frequency). This missense change has been observed in individual(s) with argininosuccinic aciduria (internal data). In at least one individual the data is consistent with being in trans (on the opposite chromosome) from a pathogenic variant. ClinVar contains an entry for this variant (Variation ID: 92367). An algorithm developed to predict the effect of missense changes on protein structure and function (PolyPhen-2) suggests that this variant is likely to be tolerated. This variant disrupts the p.Gln326 amino acid residue in ASL. Other variant(s) that disrupt this residue have been observed in individuals with ASL-related conditions (PMID: 24166829; internal data), which suggests that this may be a clinically significant amino acid residue. In summary, the currently available evidence indicates that the variant is pathogenic, but additional data are needed to prove that conclusively. Therefore, this variant has been classified as Likely Pathogenic.

Revvity Omics, Revvity
Classification: Uncertain significance for Argininosuccinate lyase deficiency. Last evaluated: 2022-04-22. Review status: criteria provided, single submitter. Criteria: ACMG Guidelines, 2015. Collection method: clinical testing. Allele origin: germline.

Eurofins Ntd Llc (ga)
Classification: Uncertain significance. Last evaluated: 2017-10-27. Review status: criteria provided, single submitter. Criteria: EGL Classification Definitions 2015. Collection method: clinical testing. Allele origin: germline. Observed: 4 variant alleles, 4 heterozygotes.

Natera, Inc.
Classification: Uncertain significance for Argininosuccinate lyase deficiency. Last evaluated: 2021-01-06. Review status: no assertion criteria provided. Collection method: clinical testing. Allele origin: germline. Not counted in ClinVar's aggregate classification.

Literature cited by the submitters: PubMed 24166829 (cited by Labcorp Genetics (formerly Invitae), Labcorp).

NM_000048.4(ASL):c.976C>A (p.Gln326Lys)

Gene: ASL (argininosuccinate lyase; plus strand). Cytogenetic location: 7q11.21.
Variant type: single nucleotide variant.
Coding change: c.976C>A on transcript NM_000048.4 (MANE Select); coding-DNA position 976, C replaced by A.
Protein change: p.Gln326Lys; replaces glutamine 326 with lysine.
Molecular consequence: missense variant. On other transcripts: intron variant (1).
Genome position (GRCh38, 1-based): chr7:66,089,333, C>A. VCF-style: chr7-66089333-C-A. GRCh37 (hg19) VCF-style: chr7-65554320-C-A.
Other names: c.976C>A, p.Gln326Lys (NM_001024943.2); c.898C>A, p.Gln300Lys (NM_001024946.2); c.918+158C>A (NM_001024944.2); short protein forms Q326K, Q300K.
Identifiers: ClinVar variation 92367 (VCV000092367.28), dbSNP rs398123129, ClinGen allele CA220296.
Genomic context (GRCh38, chr7:66,089,333, plus strand): 5'-CAGTGTGCCGGGCTCCTGATGACCCTCAAGGGACTTCCCAGCACCTACAACAAAGACTTA[C>A]AGGTGCGAGGCCGGGGGAGGCCTGGCTAGTACGTGCCAGTTCTCAGGGCTCTGGCACACT-3'
Protein context (NP_000039.2, residues 316-336): GLPSTYNKDL[Gln326Lys]EDKEAVFEVS